The following is an entry in ClinVar:

NM_001164277.2(SLC37A4):c.603C>T (p.Pro201=)

Gene: SLC37A4 (solute carrier family 37 member 4; minus strand). Cytogenetic location: 11q23.3.
Variant type: single nucleotide variant.
Coding change: c.603C>T on transcript NM_001164277.2 (MANE Select); coding-DNA position 603, C replaced by T.
Protein change: p.Pro201=; no amino-acid change (proline 201 retained).
Molecular consequence: synonymous variant.
Genome position (GRCh38, 1-based): chr11:119,027,650, G>A on the plus strand (C>T on the coding strand, the complement: SLC37A4 is on the minus strand). VCF-style: chr11-119027650-G-A. GRCh37 (hg19) VCF-style: chr11-118898360-G-A.
Other names: c.603C>T, p.Pro201= (NM_001164278.2, NM_001164280.2, NM_001467.6); c.384C>T, p.Pro128= (NM_001164279.2).
Identifiers: ClinVar variation 798805 (VCV000798805.34), dbSNP rs368398459, ClinGen allele CA6311801.
Genomic context (GRCh38, chr11:119,027,650, plus strand): 5'-AATGAGTGCCCCAGTGGTCGGTCTGGGTGGGGGCTCACCCTTCTTGCCCTCAGAGGGCAT[G>A]GGGTCCAGGTTGCGGAGTCCAACATCAGCAGGTTCATTGTGGATGAGCAGGAGACAGAGG-3'
Protein context (NP_001157749.1, residues 191-211): PADVGLRNLD[Pro201=]MPSEGKKGSL

ClinVar aggregate classification (germline): Likely benign. Review status: criteria provided, multiple submitters, no conflicts (2 of 4 stars). 2 submissions from 2 submitters: Likely benign (2). Last evaluated 2022-12-02.

Conditions:
Glucose-6-phosphate transport defect (GSD1B). Also called: Glycogen Storage Disease Type Ib; GSD Ib. Identifiers: Orphanet 364, Orphanet 79259, MedGen C0268146, MONDO:0009288, OMIM 232220.

Allele frequency attached by ClinVar (database versions not stated): gnomAD exomes below 0.00001; TOPMed below 0.00001; ExAC 0.00001; ESP Exome Variant Server 0.00008.

Submissions (2):

Labcorp Genetics (formerly Invitae), Labcorp
Classification: Likely benign for Glucose-6-phosphate transport defect. Last evaluated: 2022-12-02. Review status: criteria provided, single submitter. Criteria: Invitae Variant Classification Sherloc (09022015). Collection method: clinical testing. Allele origin: germline.

CeGaT Center for Human Genetics Tuebingen
Classification: Likely benign. Last evaluated: 2022-10-01. Review status: criteria provided, single submitter. Criteria: CeGaT Center For Human Genetics Tuebingen Variant Classification Criteria Version 2. Collection method: clinical testing. Allele origin: germline. Affected: yes. Observed: 1 variant allele.
Comment: SLC37A4: PM2:Supporting, BP4, BP7